The following is an entry in ClinVar:

NM_144573.4(NEXN):c.143G>A (p.Arg48Lys)

Gene: NEXN (nexilin F-actin binding protein; plus strand). Cytogenetic location: 1p31.1.
Variant type: single nucleotide variant.
Coding change: c.143G>A on transcript NM_144573.4 (MANE Select); coding-DNA position 143, G replaced by A.
Protein change: p.Arg48Lys; replaces arginine 48 with lysine.
Molecular consequence: missense variant. On other transcripts: intron variant (1).
Genome position (GRCh38, 1-based): chr1:77,917,681, G>A. VCF-style: chr1-77917681-G-A. GRCh37 (hg19) VCF-style: chr1-78383366-G-A.
Other names: c.28-279G>A (NM_001172309.2); short protein forms R48K.
Identifiers: ClinVar variation 4860830 (VCV004860830.1).
Genomic context (GRCh38, chr1:77,917,681, plus strand): 5'-AGGGTGATGTAAAGGATAAGTTTGAAGCCATGCAGAGAGCCAGGGAAGAAAGAAATCAAA[G>A]GAGATCTAGAGACGAAAAACAAAGAAGAAAAGAACAATATATTAGAGAGAGAGAATGGAA-3'
Protein context (NP_653174.3, residues 38-58): MQRAREERNQ[Arg48Lys]RSRDEKQRRK

ClinVar aggregate classification (germline): Uncertain significance (1 of 4 stars; one submission).

Conditions:
Cardiovascular phenotype. Identifiers: MedGen CN230736.

Submission:

Ambry Genetics
Classification: Uncertain significance for Cardiovascular phenotype. Last evaluated: 2026-04-18. Review status: criteria provided, single submitter. Criteria: Ambry Variant Classification Scheme 2023. Collection method: clinical testing. Allele origin: germline.
Comment: The p.R48K variant (also known as c.143G>A), located in coding exon 2 of the NEXN gene, results from a G to A substitution at nucleotide position 143. The arginine at codon 48 is replaced by lysine, an amino acid with highly similar properties. This amino acid position is conserved. In addition, this alteration is predicted to be tolerated by in silico analysis. Based on the available evidence, the clinical significance of this variant remains unclear.